The following is an entry in ClinVar:

ClinVar aggregate classification (germline): Uncertain significance (1 of 4 stars; one submission).

Conditions:
Severe combined immunodeficiency due to DCLRE1C deficiency (RS-SCID). Also called: SCID, AUTOSOMAL RECESSIVE, T CELL-NEGATIVE, B CELL-NEGATIVE, NK CELL-POSITIVE, WITH SENSITIVITY TO IONIZING RADIATION. Identifiers: Orphanet 275, MedGen C1865371, MONDO:0011225, OMIM 602450.

Submission:

Labcorp Genetics (formerly Invitae), Labcorp
Classification: Uncertain significance for Athabaskan severe combined immunodeficiency. Last evaluated: 2024-12-16. Review status: criteria provided, single submitter. Criteria: Invitae Variant Classification Sherloc (09022015). Collection method: clinical testing. Allele origin: germline.
Comment: This sequence change replaces serine, which is neutral and polar, with alanine, which is neutral and non-polar, at codon 572 of the DCLRE1C protein (p.Ser572Ala). This variant is not present in population databases (gnomAD no frequency). This variant has not been reported in the literature in individuals affected with DCLRE1C-related conditions. ClinVar contains an entry for this variant (Variation ID: 1507339). An algorithm developed to predict the effect of missense changes on protein structure and function (PolyPhen-2) suggests that this variant is likely to be tolerated. In summary, the available evidence is currently insufficient to determine the role of this variant in disease. Therefore, it has been classified as a Variant of Uncertain Significance.

NM_001033855.3(DCLRE1C):c.1714T>G (p.Ser572Ala)

Gene: DCLRE1C (DNA cross-link repair 1C; minus strand). Cytogenetic location: 10p13.
Variant type: single nucleotide variant.
Coding change: c.1714T>G on transcript NM_001033855.3 (MANE Select); coding-DNA position 1714, T replaced by G.
Protein change: p.Ser572Ala; replaces serine 572 with alanine.
Molecular consequence: missense variant. On other transcripts: non-coding transcript variant (4).
Genome position (GRCh38, 1-based): chr10:14,908,773, A>C on the plus strand (T>G on the coding strand, the complement: DCLRE1C is on the minus strand). VCF-style: chr10-14908773-A-C. GRCh37 (hg19) VCF-style: chr10-14950772-A-C.
Other names: c.1354T>G, p.Ser452Ala (NM_001033857.3, NM_001033858.3, NM_001289077.2 and 2 more transcripts); c.1369T>G, p.Ser457Ala (NM_001289076.2, NM_001289078.2, NM_001350966.2 and 1 more transcripts); c.1714T>G, p.Ser572Ala (NM_001350965.2); short protein forms S572A, S452A, S457A.
Identifiers: ClinVar variation 1507339 (VCV001507339.8), dbSNP rs770457801, ClinGen allele CA376074885.
Genomic context (GRCh38, chr10:14,908,773, plus strand): 5'-CCATGAGAGAGGCAGGAATATTCTCTTTGATTGTTGGTCTGTAGTCAGCTTTGTCCAAGG[A>C]AGTAATATCCCCACTGTTTCTCTCTTGGGAAGATAACAAAACAGTATCAGATTGGCTGTC-3'
Protein context (NP_001029027.1, residues 562-582): SQERNSGDIT[Ser572Ala]LDKADYRPTI